The following is an entry in ClinVar:

ClinVar aggregate classification (germline): Likely benign (1 of 4 stars; one submission).

Conditions:
HSD3B7-related disorder. Also called: HSD3B7-related condition.

gnomAD v4.1: 4 of 1,613,930 alleles (0.00025%); highest among the groups gnomAD compares: Middle Eastern, 0.016%; no homozygotes.

Submission:

PreventionGenetics, part of Exact Sciences
Classification: Likely benign for HSD3B7-related condition. Last evaluated: 2025-10-08. Review status: criteria provided, single submitter. Criteria: ACMG Guidelines, 2015. Collection method: clinical testing. Allele origin: germline.
Comment: This variant is classified as likely benign based on ACMG/AMP sequence variant interpretation guidelines (Richards et al. 2015 PMID: 25741868, with internal and published modifications).

NM_025193.4(HSD3B7):c.432-3C>A

Gene: HSD3B7 (hydroxy-delta-5-steroid dehydrogenase, 3 beta- and steroid delta-isomerase 7; plus strand). Cytogenetic location: 16p11.2.
Variant type: single nucleotide variant.
Coding change: c.432-3C>A on transcript NM_025193.4 (MANE Select); 3 bases into the intron before coding-DNA position 432, C replaced by A.
Molecular consequence: intron variant.
Genome position (GRCh38, 1-based): chr16:30,986,602, C>A. VCF-style: chr16-30986602-C-A. GRCh37 (hg19) VCF-style: chr16-30997923-C-A.
Other names: c.432-3C>A (NM_001142777.2, NM_001142778.2).
Identifiers: ClinVar variation 4984706 (VCV004984706.1).